The following is an entry in ClinVar:

NM_005045.4(RELN):c.4664T>G (p.Leu1555Arg)

Gene: RELN (reelin; minus strand). Cytogenetic location: 7q22.1.
Variant type: single nucleotide variant.
Coding change: c.4664T>G on transcript NM_005045.4 (MANE Select); coding-DNA position 4664, T replaced by G.
Protein change: p.Leu1555Arg; replaces leucine 1555 with arginine.
Molecular consequence: missense variant.
Genome position (GRCh38, 1-based): chr7:103,566,684, A>C on the plus strand (T>G on the coding strand, the complement: RELN is on the minus strand). VCF-style: chr7-103566684-A-C. GRCh37 (hg19) VCF-style: chr7-103207131-A-C.
Other names: c.4664T>G, p.Leu1555Arg (NM_173054.3); short protein forms L1555R.
Identifiers: ClinVar variation 3067268 (VCV003067268.21), dbSNP rs2484744304, ClinGen allele CA368748514.

ClinVar aggregate classification (germline): Uncertain significance (1 of 4 stars; one submission).

Submission:

CeGaT Center for Human Genetics Tuebingen
Classification: Uncertain significance. Last evaluated: 2024-03-01. Review status: criteria provided, single submitter. Criteria: CeGaT Center For Human Genetics Tuebingen Variant Classification Criteria Version 2. Collection method: clinical testing. Allele origin: germline. Affected: yes. Observed: 1 variant allele.
Comment: RELN: PM2